The following is an entry in ClinVar:

ClinVar aggregate classification (germline): Uncertain significance (1 of 4 stars; one submission).

Submission:

Labcorp Genetics (formerly Invitae), Labcorp
Classification: Uncertain significance. Last evaluated: 2025-10-21. Review status: criteria provided, single submitter. Criteria: Invitae Variant Classification Sherloc (09022015). Collection method: clinical testing. Allele origin: germline.
Comment: This sequence change replaces arginine, which is basic and polar, with lysine, which is basic and polar, at codon 486 of the NLRP1 protein (p.Arg486Lys). This variant is not present in population databases (gnomAD no frequency). This variant has not been reported in the literature in individuals affected with NLRP1-related conditions. An algorithm developed to predict the effect of missense changes on protein structure and function (PolyPhen-2) suggests that this variant is likely to be disruptive. In summary, the available evidence is currently insufficient to determine the role of this variant in disease. Therefore, it has been classified as a Variant of Uncertain Significance.

NM_033004.4(NLRP1):c.1457G>A (p.Arg486Lys)

Gene: NLRP1 (NLR family pyrin domain containing 1; minus strand). Cytogenetic location: 17p13.2.
Variant type: single nucleotide variant.
Coding change: c.1457G>A on transcript NM_033004.4 (MANE Select); coding-DNA position 1457, G replaced by A.
Protein change: p.Arg486Lys; replaces arginine 486 with lysine.
Molecular consequence: missense variant.
Genome position (GRCh38, 1-based): chr17:5,559,239, C>T on the plus strand (G>A on the coding strand, the complement: NLRP1 is on the minus strand). VCF-style: chr17-5559239-C-T. GRCh37 (hg19) VCF-style: chr17-5462559-C-T.
Other names: c.1457G>A, p.Arg486Lys (NM_001033053.3, NM_014922.5, NM_033006.4 and 1 more transcripts); short protein forms R486K.
Identifiers: ClinVar variation 4729629 (VCV004729629.1).